The following is an entry in ClinVar:

ClinVar aggregate classification (germline): Uncertain significance (1 of 4 stars; one submission).

Allele frequency attached by ClinVar (database versions not stated): TOPMed below 0.00001; gnomAD exomes 0.00001.
gnomAD v4.1: 12 of 1,607,744 alleles (0.00075%); highest among the groups gnomAD compares: Non-Finnish European, 0.001%; no homozygotes.

Submission:

GeneDx
Classification: Uncertain significance. Last evaluated: 2022-11-17. Review status: criteria provided, single submitter. Criteria: GeneDx Variant Classification Process June 2021. Collection method: clinical testing. Allele origin: germline. Affected: yes.
Comment: Not observed at significant frequency in large population cohorts (gnomAD); In silico analysis supports that this missense variant has a deleterious effect on protein structure/function; Has not been previously published as pathogenic or benign to our knowledge

NM_014727.3(KMT2B):c.4286T>C (p.Leu1429Pro)

Gene: KMT2B (lysine methyltransferase 2B; plus strand). Cytogenetic location: 19q13.12.
Variant type: single nucleotide variant.
Coding change: c.4286T>C on transcript NM_014727.3 (MANE Select); coding-DNA position 4286, T replaced by C.
Protein change: p.Leu1429Pro; replaces leucine 1429 with proline.
Molecular consequence: missense variant.
Genome position (GRCh38, 1-based): chr19:35,727,606, T>C. VCF-style: chr19-35727606-T-C. GRCh37 (hg19) VCF-style: chr19-36218507-T-C.
Other names: short protein forms L1429P.
Identifiers: ClinVar variation 1800645 (VCV001800645.1), dbSNP rs1001886314, ClinGen allele CA307790932.